The following is an entry in ClinVar:

ClinVar aggregate classification (germline): Uncertain significance (1 of 4 stars; one submission).

Conditions:
Progressive myoclonic epilepsy type 9. Identifiers: Orphanet 457265, MedGen C4225289, MONDO:0014685, OMIM 616540.
Lipodystrophy, partial, acquired, susceptibility to (APLD). Also called: APLD, SUSCEPTIBILITY TO. Identifiers: MedGen C3887501, MONDO:0100476, OMIM 608709.

Allele frequency attached by ClinVar (database versions not stated): gnomAD exomes below 0.00001 and 0.00001; ExAC 0.00001; gnomAD 0.00001; ESP Exome Variant Server 0.00008.
gnomAD v4.1: 5 of 1,613,258 alleles (0.00031%); highest among the groups gnomAD compares: African/African-American, 0.0067%; no homozygotes.

Submission:

Labcorp Genetics (formerly Invitae), Labcorp
Classification: Uncertain significance for Progressive myoclonic epilepsy type 9; Lipodystrophy, partial, acquired, susceptibility to. Last evaluated: 2021-03-24. Review status: criteria provided, single submitter. Criteria: Invitae Variant Classification Sherloc (09022015). Collection method: clinical testing. Allele origin: germline.
Comment: This variant has not been reported in the literature in individuals with LMNB2-related conditions. This variant is present in population databases (rs373940127, ExAC 0.01%). This sequence change replaces glutamic acid with aspartic acid at codon 345 of the LMNB2 protein (p.Glu345Asp). The glutamic acid residue is highly conserved and there is a small physicochemical difference between glutamic acid and aspartic acid. In summary, the available evidence is currently insufficient to determine the role of this variant in disease. Therefore, it has been classified as a Variant of Uncertain Significance. Algorithms developed to predict the effect of missense changes on protein structure and function (SIFT, PolyPhen-2, Align-GVGD) all suggest that this variant is likely to be tolerated, but these predictions have not been confirmed by published functional studies and their clinical significance is uncertain.

NM_032737.4(LMNB2):c.1035G>T (p.Glu345Asp)

Gene: LMNB2 (lamin B2; minus strand). Cytogenetic location: 19p13.3.
Variant type: single nucleotide variant.
Coding change: c.1035G>T on transcript NM_032737.4 (MANE Select); coding-DNA position 1035, G replaced by T.
Protein change: p.Glu345Asp; replaces glutamic acid 345 with aspartic acid.
Molecular consequence: missense variant.
Genome position (GRCh38, 1-based): chr19:2,434,462, C>A on the plus strand (G>T on the coding strand, the complement: LMNB2 is on the minus strand). VCF-style: chr19-2434462-C-A. GRCh37 (hg19) VCF-style: chr19-2434460-C-A.
Other names: short protein forms E345D.
Identifiers: ClinVar variation 1400784 (VCV001400784.8), dbSNP rs373940127, ClinGen allele CA9067618.